The following is an entry in ClinVar:

ClinVar aggregate classification (germline): Conflicting classifications of pathogenicity. Review status: criteria provided, conflicting classifications (1 of 4 stars). 4 submissions from 4 submitters: Uncertain significance (3); Benign (1). Last evaluated 2024-11-19.

Conditions:
Ehlers-Danlos syndrome, classic type, 1 (EDSCL1). Also called: Ehlers-Danlos Syndrome, Classic Type, COL5A1-Related; EHLERS-DANLOS SYNDROME, GRAVIS TYPE; EHLERS-DANLOS SYNDROME, SEVERE CLASSIC TYPE; Ehlers-Danlos syndrome, type 1; EDS I. Identifiers: MedGen C0268335, MONDO:0019567, OMIM 130000.
Familial thoracic aortic aneurysm and aortic dissection (TAAD). Also called: Thoracic aortic aneurysms and dissections. Identifiers: Orphanet 91387, MedGen C4707243, MONDO:0019625.

Allele frequency attached by ClinVar (database versions not stated): gnomAD 0.00003 and 0.00002; ExAC 0.00002; 1000 Genomes Project 30x 0.00016; 1000 Genomes Project 0.00020; gnomAD exomes 0.00001; TOPMed 0.00001.
gnomAD v4.1: 12 of 1,599,012 alleles (0.00075%); highest among the groups gnomAD compares: Middle Eastern, 0.017%; no homozygotes.

Submissions (4):

Labcorp Genetics (formerly Invitae), Labcorp
Classification: Benign for Ehlers-Danlos syndrome, classic type, 1. Last evaluated: 2024-11-19. Review status: criteria provided, single submitter. Criteria: Invitae Variant Classification Sherloc (09022015). Collection method: clinical testing. Allele origin: germline.

GeneDx
Classification: Uncertain significance. Last evaluated: 2023-07-14. Review status: criteria provided, single submitter. Criteria: GeneDx Variant Classification Process June 2021. Collection method: clinical testing. Allele origin: germline. Affected: yes.
Comment: Not observed at significant frequency in large population cohorts (gnomAD); In silico analysis supports that this missense variant does not alter protein structure/function; Has not been previously published as pathogenic or benign to our knowledge; Occurs in the triple helical domain at the X position in the canonical Gly-X-Y repeat; although this variant may have an effect on normal protein folding and function, missense substitution at the X position is not a common mechanism of disease (Symoens et al., 2012; HGMD); This variant is associated with the following publications: (PMID: 22696272)

ARUP Laboratories, Molecular Genetics and Genomics, ARUP Laboratories
Classification: Uncertain significance. Last evaluated: 2023-03-28. Review status: criteria provided, single submitter. Criteria: ARUP Molecular Germline Variant Investigation Process 2024. Collection method: clinical testing. Allele origin: germline.
Comment: The COL5A1 c.3788C>T; p.Pro1263Leu variant (rs140244245), to our knowledge, is not reported in the medical literature but is reported in ClinVar (Variation ID: 213049). This variant is only observed on two alleles in the Genome Aggregation Database, indicating it is not a common polymorphism. Computational analyses predict that this variant is deleterious (REVEL: 0.715). Due to limited information, the clinical significance of this variant is uncertain at this time.

Ambry Genetics
Classification: Uncertain significance for Familial thoracic aortic aneurysm and aortic dissection. Last evaluated: 2020-04-03. Review status: criteria provided, single submitter. Criteria: Ambry Variant Classification Scheme 2023. Collection method: clinical testing. Allele origin: germline.
Comment: The p.P1263L variant (also known as c.3788C>T), located in coding exon 48 of the COL5A1 gene, results from a C to T substitution at nucleotide position 3788. The proline at codon 1263 is replaced by leucine, an amino acid with similar properties. This amino acid position is highly conserved in available vertebrate species. In addition, the in silico prediction for this alteration is inconclusive. Since supporting evidence is limited at this time, the clinical significance of this alteration remains unclear.

NM_000093.5(COL5A1):c.3788C>T (p.Pro1263Leu)

Gene: COL5A1 (collagen type V alpha 1 chain; plus strand). Cytogenetic location: 9q34.3.
Variant type: single nucleotide variant.
Coding change: c.3788C>T on transcript NM_000093.5 (MANE Select); coding-DNA position 3788, C replaced by T.
Protein change: p.Pro1263Leu; replaces proline 1263 with leucine.
Molecular consequence: missense variant.
Genome position (GRCh38, 1-based): chr9:134,812,648, C>T. VCF-style: chr9-134812648-C-T. GRCh37 (hg19) VCF-style: chr9-137704494-C-T.
Other names: p.P1263L:CCA>CTA; c.3788C>T, p.Pro1263Leu (NM_001278074.1); short protein forms P1263L.
Identifiers: ClinVar variation 213049 (VCV000213049.8), dbSNP rs140244245, ClinGen allele CA322602.